The following is an entry in ClinVar:

ClinVar aggregate classification (germline): Uncertain significance (1 of 4 stars; one submission).

Conditions:
Anterior segment dysgenesis. Also called: Ocular anterior segment dysgenesis. Identifiers: Orphanet 88632, MedGen C1862839, MONDO:0019503, HP:0007700.
Congenital primary aphakia. Also called: Anterior segment dysgenesis 2, multiple subtypes; ANTERIOR SEGMENT DYSGENESIS 2. Identifiers: Orphanet 83461, MedGen C1853230, MONDO:0012456, OMIM 610256.

Allele frequency attached by ClinVar (database versions not stated): gnomAD exomes below 0.00001; ExAC 0.00001.

Submission:

Labcorp Genetics (formerly Invitae), Labcorp
Classification: Uncertain significance for Anterior segment dysgenesis; Congenital primary aphakia. Last evaluated: 2023-07-26. Review status: criteria provided, single submitter. Criteria: Invitae Variant Classification Sherloc (09022015). Collection method: clinical testing. Allele origin: germline.
Comment: This sequence change replaces phenylalanine, which is neutral and non-polar, with leucine, which is neutral and non-polar, at codon 105 of the FOXE3 protein (p.Phe105Leu). This variant is present in population databases (rs751018669, gnomAD 0.006%). This variant has not been reported in the literature in individuals affected with FOXE3-related conditions. Advanced modeling of protein sequence and biophysical properties (such as structural, functional, and spatial information, amino acid conservation, physicochemical variation, residue mobility, and thermodynamic stability) performed at Invitae indicates that this missense variant is expected to disrupt FOXE3 protein function. In summary, the available evidence is currently insufficient to determine the role of this variant in disease. Therefore, it has been classified as a Variant of Uncertain Significance.

NM_012186.3(FOXE3):c.313T>C (p.Phe105Leu)

Genes: FOXE3 (forkhead box E3; plus strand), LINC01389 (long independently transcribed non-coding RNA 1389; minus strand). Cytogenetic location: 1p33.
Variant type: single nucleotide variant.
Coding change: c.313T>C on transcript NM_012186.3 (MANE Select); coding-DNA position 313, T replaced by C.
Protein change: p.Phe105Leu; replaces phenylalanine 105 with leucine.
Molecular consequence: missense variant.
Genome position (GRCh38, 1-based): chr1:47,416,628, T>C. VCF-style: chr1-47416628-T-C. GRCh37 (hg19) VCF-style: chr1-47882300-T-C.
Other names: short protein forms F105L.
Identifiers: ClinVar variation 2934709 (VCV002934709.3), dbSNP rs751018669, ClinGen allele CA842937.